The following is an entry in ClinVar:

ClinVar aggregate classification (germline): Uncertain significance (1 of 4 stars; one submission).

Conditions:
Angelman syndrome-like. Identifiers: MedGen CN128785.
Developmental and epileptic encephalopathy, 2 (DEE2). Also called: INFANTILE SPASM SYNDROME, X-LINKED 2; CDKL5 deficiency disorder. Identifiers: Orphanet 1934, Orphanet 3451, Orphanet 505652, MedGen C4750718, MONDO:0010396, OMIM 300672.

Submission:

Labcorp Genetics (formerly Invitae), Labcorp
Classification: Uncertain significance for Developmental and epileptic encephalopathy, 2; Angelman syndrome-like. Last evaluated: 2025-03-31. Review status: criteria provided, single submitter. Criteria: Invitae Variant Classification Sherloc (09022015). Collection method: clinical testing. Allele origin: germline.
Comment: This sequence change replaces serine, which is neutral and polar, with phenylalanine, which is neutral and non-polar, at codon 476 of the CDKL5 protein (p.Ser476Phe). This variant is not present in population databases (gnomAD no frequency). This variant has not been reported in the literature in individuals affected with CDKL5-related conditions. Invitae Evidence Modeling of protein sequence and biophysical properties (such as structural, functional, and spatial information, amino acid conservation, physicochemical variation, residue mobility, and thermodynamic stability) has been performed for this missense variant. However, the output from this modeling did not meet the statistical confidence thresholds required to predict the impact of this variant on CDKL5 protein function. In summary, the available evidence is currently insufficient to determine the role of this variant in disease. Therefore, it has been classified as a Variant of Uncertain Significance.

NM_001323289.2(CDKL5):c.1427C>T (p.Ser476Phe)

Gene: CDKL5 (cyclin dependent kinase like 5; plus strand). Cytogenetic location: Xp22.13.
Variant type: single nucleotide variant.
Coding change: c.1427C>T on transcript NM_001323289.2 (MANE Select); coding-DNA position 1427, C replaced by T.
Protein change: p.Ser476Phe; replaces serine 476 with phenylalanine.
Molecular consequence: missense variant.
Genome position (GRCh38, 1-based): chrX:18,604,351, C>T. VCF-style: chrX-18604351-C-T. GRCh37 (hg19) VCF-style: chrX-18622471-C-T.
Other names: c.1427C>T, p.Ser476Phe (NM_001037343.2, NM_003159.3); short protein forms S476F.
Identifiers: ClinVar variation 4789425 (VCV004789425.1).
Genomic context (GRCh38, chrX:18,604,351, plus strand): 5'-GGACACTGCAGCCCAATGAAAAGCAGAGTCGGCATAGCTATATTGACACAATTCCCCAGT[C>T]CTCTAGGAGTCCCTCCTACAGGACCAAGGCCAAAAGCCATGGGGCACTGAGTGACTCCAA-3'
Protein context (NP_001310218.1, residues 466-486): RHSYIDTIPQ[Ser476Phe]SRSPSYRTKA